The following is an entry in ClinVar:

NM_016818.3(ABCG1):c.286+4G>A

Gene: ABCG1 (ATP binding cassette subfamily G member 1; plus strand). Cytogenetic location: 21q22.3.
Variant type: single nucleotide variant.
Coding change: c.286+4G>A on transcript NM_016818.3 (MANE Select); 4 bases into the intron after coding-DNA position 286, G replaced by A.
Molecular consequence: intron variant.
Genome position (GRCh38, 1-based): chr21:42,225,918, G>A. VCF-style: chr21-42225918-G-A. GRCh37 (hg19) VCF-style: chr21-43646028-G-A.
Other names: c.292+4G>A (NM_207627.2); c.220+4G>A (NM_207628.1); c.277+4G>A (NM_207629.2); c.286+4G>A (NM_004915.4, NM_004915.3); c.319+4G>A (NM_207174.1).
Identifiers: ClinVar variation 719214 (VCV000719214.5), dbSNP rs4148108, ClinGen allele CA10040888.

ClinVar aggregate classification (germline): Benign. Review status: criteria provided, single submitter (1 of 4 stars). 2 submissions from 2 submitters: Benign (1). 1 of the submissions does not count toward it. Last evaluated 2018-07-27.

Conditions:
ABCG1-related disorder. Also called: ABCG1-related condition.

Allele frequency attached by ClinVar (database versions not stated): ESP Exome Variant Server 0.00015; TOPMed 0.00159; gnomAD 0.00226; gnomAD exomes 0.00307; ExAC 0.00339; 1000 Genomes Project 30x 0.00422; 1000 Genomes Project 0.00439.
gnomAD v4.1: 2,488 of 1,610,526 alleles (0.15%); highest among the groups gnomAD compares: East Asian, 2.3%; 29 homozygotes.

Submissions (2):

Labcorp Genetics (formerly Invitae), Labcorp
Classification: Benign. Last evaluated: 2018-07-27. Review status: criteria provided, single submitter. Criteria: Invitae Variant Classification Sherloc (09022015). Collection method: clinical testing. Allele origin: germline.

PreventionGenetics, part of Exact Sciences
Classification: Benign for ABCG1-related condition. Last evaluated: 2019-03-20. Review status: no assertion criteria provided. Collection method: clinical testing. Allele origin: germline. Not counted in ClinVar's aggregate classification.
Comment: This variant is classified as benign based on ACMG/AMP sequence variant interpretation guidelines (Richards et al. 2015 PMID: 25741868, with internal and published modifications).